The following is an entry in ClinVar:

ClinVar aggregate classification (germline): Pathogenic (1 of 4 stars; one submission).

Conditions:
Autosomal recessive distal spinal muscular atrophy 2. Also called: NEUROPATHY, DISTAL HEREDITARY MOTOR, AUTOSOMAL RECESSIVE 2; NEURONOPATHY, DISTAL HEREDITARY MOTOR, JERASH TYPE; NEUROPATHY, DISTAL HEREDITARY MOTOR, JERASH TYPE; SPINAL MUSCULAR ATROPHY, JERASH TYPE; Hereditary motor neuropathy, Jerash type; Motor neuropathy, distal, Jerash type. Identifiers: Orphanet 139552, MedGen C1854023, MONDO:0011585, OMIM 605726.
Amyotrophic lateral sclerosis type 16. Also called: AMYOTROPHIC LATERAL SCLEROSIS 16, JUVENILE. Identifiers: Orphanet 300605, MedGen C3280587, MONDO:0013715, OMIM 614373.

Allele frequency attached by ClinVar (database versions not stated): gnomAD exomes 0.00001; gnomAD 0.00003.

Submission:

Labcorp Genetics (formerly Invitae), Labcorp
Classification: Pathogenic for Autosomal recessive distal spinal muscular atrophy 2; Amyotrophic lateral sclerosis type 16. Last evaluated: 2024-03-18. Review status: criteria provided, single submitter. Criteria: Invitae Variant Classification Sherloc (09022015). Collection method: clinical testing. Allele origin: germline.
Comment: This sequence change creates a premature translational stop signal (p.Trp29*) in the SIGMAR1 gene. It is expected to result in an absent or disrupted protein product. Loss-of-function variants in SIGMAR1 are known to be pathogenic (PMID: 26078401, 27402882, 28708278, 29115704). This variant is present in population databases (no rsID available, gnomAD 0.007%). This variant has not been reported in the literature in individuals affected with SIGMAR1-related conditions. ClinVar contains an entry for this variant (Variation ID: 1454893). Algorithms developed to predict the effect of sequence changes on RNA splicing suggest that this variant may create or strengthen a splice site. For these reasons, this variant has been classified as Pathogenic.

Literature cited by the submitters: PubMed 26078401; PubMed 27402882; PubMed 28708278; PubMed 29115704.

NM_005866.4(SIGMAR1):c.86G>A (p.Trp29Ter)

Genes: SIGMAR1 (sigma receptor chaperone 1; minus strand), LOC130001681 (ATAC-STARR-seq lymphoblastoid silent region 19853; plus strand). Cytogenetic location: 9p13.3.
Variant type: single nucleotide variant.
Coding change: c.86G>A on transcript NM_005866.4 (MANE Select); coding-DNA position 86, G replaced by A.
Protein change: p.Trp29Ter; replaces tryptophan 29 with a stop codon.
Molecular consequence: nonsense. On other transcripts: 5 prime UTR variant (1), non-coding transcript variant (1).
Genome position (GRCh38, 1-based): chr9:34,637,612, C>T on the plus strand (G>A on the coding strand, the complement: SIGMAR1 is on the minus strand). VCF-style: chr9-34637612-C-T. GRCh37 (hg19) VCF-style: chr9-34637609-C-T.
Other names: c.86G>A, p.Trp29Ter (NM_001282205.2, NM_001282207.2, NM_001282208.2 and 2 more transcripts); c.-168G>A (NM_001282206.2); short protein forms W29*.
Identifiers: ClinVar variation 1454893 (VCV001454893.6), dbSNP rs1449250083, ClinGen allele CA373275611.